The following is an entry in ClinVar:

NM_001875.5(CPS1):c.1030A>G (p.Thr344Ala)

Gene: CPS1 (carbamoyl-phosphate synthase 1; plus strand). Cytogenetic location: 2q34.
Variant type: single nucleotide variant.
Coding change: c.1030A>G on transcript NM_001875.5 (MANE Select); coding-DNA position 1030, A replaced by G.
Protein change: p.Thr344Ala; replaces threonine 344 with alanine.
Molecular consequence: missense variant. On other transcripts: non-coding transcript variant (1).
Genome position (GRCh38, 1-based): chr2:210,591,913, A>G. VCF-style: chr2-210591913-A-G. GRCh37 (hg19) VCF-style: chr2-211456637-A-G.
Other names: p.T350A:ACC>GCC; c.1030A>G (LRG_336t1); c.1030A>G, p.Thr344Ala (NM_001122633.3, NM_001369257.1); c.1063A>G, p.Thr355Ala (NM_001369256.1); short protein forms T344A, T355A.
Identifiers: ClinVar variation 128849 (VCV000128849.35), dbSNP rs1047883, ClinGen allele CA288777.

ClinVar aggregate classification (germline): Benign. Review status: criteria provided, multiple submitters, no conflicts (2 of 4 stars). 17 submissions from 17 submitters: Benign (12). 5 of the submissions do not count toward it. Last evaluated 2026-02-04.

Conditions:
Pulmonary hypertension, neonatal, susceptibility to (PHN). Identifiers: MedGen C3714958, MONDO:0014151, OMIM 615371.
Congenital hyperammonemia, type I. Also called: Carbamoyl phosphate synthetase 1 deficiency; Hyperammonemia due to carbamoyl phosphate synthetase 1 deficiency; CPS 1 deficiency; Carbamyl phosphate synthetase (CPS) deficiency; Carbamoyl phosphate synthetase I deficiency disease; CPS I DEFICIENCY. Identifiers: Orphanet 147, MedGen C4082171, MONDO:0009376, OMIM 237300.

Allele frequency attached by ClinVar (database versions not stated): 1000 Genomes Project 30x 0.57589; TOPMed 0.57936; ESP Exome Variant Server 0.59173.
gnomAD v4.1: 912,709 of 1,610,050 alleles (57%); highest among the groups gnomAD compares: Middle Eastern, 65%; 260,102 homozygotes.

Submissions (17):

Labcorp Genetics (formerly Invitae), Labcorp
Classification: Benign for Congenital hyperammonemia, type I. Last evaluated: 2026-02-04. Review status: criteria provided, single submitter. Criteria: Invitae Variant Classification Sherloc (09022015). Collection method: clinical testing. Allele origin: germline.

Mayo Clinic Laboratories, Mayo Clinic
Classification: Benign. Last evaluated: 2025-07-08. Review status: criteria provided, single submitter. Criteria: ACMG Guidelines, 2015. Collection method: clinical testing. Allele origin: germline. Observed: 91 variant alleles.
Comment: BA1, BP4

Blueprint Genetics
Classification: Benign. Last evaluated: 2024-11-26. Review status: criteria provided, single submitter. Criteria: ACMG Guidelines, 2015. Collection method: clinical testing. Allele origin: germline.

Fulgent Genetics
Classification: Benign for Congenital hyperammonemia, type I; Pulmonary hypertension, neonatal, susceptibility to. Last evaluated: 2021-11-12. Review status: criteria provided, single submitter. Criteria: ACMG Guidelines, 2015. Collection method: clinical testing. Allele origin: unknown.

Genome-Nilou Lab
Classification: Benign for Congenital hyperammonemia, type I. Last evaluated: 2021-07-10. Review status: criteria provided, single submitter. Criteria: ACMG Guidelines, 2015. Collection method: clinical testing. Allele origin: germline. Affected: no.

Illumina Laboratory Services, Illumina
Classification: Benign for Congenital hyperammonemia, type I. Last evaluated: 2018-01-13. Review status: criteria provided, single submitter. Criteria: ICSL Variant Classification Criteria 13 December 2019. Collection method: clinical testing. Allele origin: germline.
Comment: This variant was observed in the ICSL laboratory as part of a predisposition screen in an ostensibly healthy population. It had not been previously curated by ICSL or reported in the Human Gene Mutation Database (HGMD: prior to June 1st, 2018), and was therefore a candidate for classification through an automated scoring system. Utilizing variant allele frequency, disease prevalence and penetrance estimates, and inheritance mode, an automated score was calculated to assess if this variant is too frequent to cause the disease. Based on the score and internal cut-off values, a variant classified as benign is not then subjected to further curation. The score for this variant resulted in a classification of benign for this disease.

Clinical Genetics DNA and cytogenetics Diagnostics Lab, Erasmus MC, Erasmus Medical Center
Classification: Benign for Congenital hyperammonemia, type I. Last evaluated: 2017-05-31. Review status: criteria provided, single submitter. Criteria: ACGS Guidelines, 2013. Collection method: clinical testing. Allele origin: germline. Affected: yes. Study: VKGL Data-share Consensus.

Women's Health and Genetics/Laboratory Corporation of America, LabCorp
Classification: Benign. Last evaluated: 2017-05-14. Review status: criteria provided, single submitter. Criteria: LabCorp Variant Classification Summary - May 2015. Collection method: clinical testing. Allele origin: germline.
Comment: Variant summary: The CPS1 c.1030A>G (p.Thr344Ala) variant located in the glutamine amidotransferase domain (via InterPro) involves the alteration of a non-conserved nucleotide and 2/3 in silico tools (MutationTaster not working at time of scoring and SNPsandGo had a low reliability index, therefore, not captured here) predict a benign outcome. However, these for this variant (SNPs&GO not captured due to low reliability index). This variant was found in 68398/120062 control chromosomes (19535 homozygotes) at a frequency of 0.569689, which is approximately 360 times the estimated maximal expected allele frequency of a pathogenic CPS1 variant (0.0015811), suggesting this variant is likely a benign polymorphism. Furthermore, the observed frequency indicates that the varant of interest is the major allele in the general population. In addition, multiple clinical diagnostic laboratories/reputable databases classified this variant as "likely benign/benign." Taken together, this variant is classified as benign.

Eurofins Ntd Llc (ga)
Classification: Benign. Last evaluated: 2015-06-10. Review status: criteria provided, single submitter. Criteria: EGL Classification Definitions 2015. Collection method: clinical testing. Allele origin: germline.

GeneDx
Classification: Benign. Last evaluated: 2013-07-25. Review status: criteria provided, single submitter. Criteria: GeneDx Variant Classification (06012015). Collection method: clinical testing. Allele origin: germline. Affected: yes.
Comment: This variant is considered likely benign or benign based on one or more of the following criteria: it is a conservative change, it occurs at a poorly conserved position in the protein, it is predicted to be benign by multiple in silico algorithms, and/or has population frequency not consistent with disease.

Breakthrough Genomics
Classification: Benign. Review status: criteria provided, single submitter. Criteria: ACMG Guidelines, 2015. Collection method: not provided. Allele origin: germline. Inheritance: Autosomal recessive inheritance. Affected: yes.

PreventionGenetics, part of Exact Sciences
Classification: Benign. Review status: criteria provided, single submitter. Criteria: ACMG Guidelines, 2015. Collection method: clinical testing. Allele origin: germline.

Natera, Inc.
Classification: Benign for Carbamoyl-phosphate synthase I deficiency. Last evaluated: 2020-09-16. Review status: no assertion criteria provided. Collection method: clinical testing. Allele origin: germline. Not counted in ClinVar's aggregate classification.

Clinical Genetics, Academic Medical Center
Classification: Benign. Review status: no assertion criteria provided. Collection method: clinical testing. Allele origin: germline. Affected: yes. Study: VKGL Data-share Consensus. Not counted in ClinVar's aggregate classification.

Diagnostic Laboratory, Department of Genetics, University Medical Center Groningen
Classification: Benign for Congenital hyperammonemia, type I. Review status: no assertion criteria provided. Collection method: clinical testing. Allele origin: germline. Affected: yes. Study: VKGL Data-share Consensus. Not counted in ClinVar's aggregate classification.

Genetic Services Laboratory, University of Chicago
Classification: Likely benign for AllHighlyPenetrant. Review status: no assertion criteria provided. Collection method: clinical testing. Allele origin: germline. Inheritance: Autosomal recessive inheritance. Not counted in ClinVar's aggregate classification.
Comment: Likely benign based on allele frequency in 1000 Genomes Project or ESP global frequency and its presence in a patient with a rare or unrelated disease phenotype. NOT Sanger confirmed.

Joint Genome Diagnostic Labs from Nijmegen and Maastricht, Radboudumc and MUMC+
Classification: Benign. Review status: no assertion criteria provided. Collection method: clinical testing. Allele origin: germline. Affected: yes. Study: VKGL Data-share Consensus. Not counted in ClinVar's aggregate classification.